The following is an entry in ClinVar:

NM_001164508.2(NEB):c.19144A>G (p.Thr6382Ala)

Gene: NEB (nebulin; minus strand). Cytogenetic location: 2q23.3.
Variant type: single nucleotide variant.
Coding change: c.19144A>G on transcript NM_001164508.2 (MANE Select); coding-DNA position 19144, A replaced by G.
Protein change: p.Thr6382Ala; replaces threonine 6382 with alanine.
Molecular consequence: missense variant.
Genome position (GRCh38, 1-based): chr2:151,561,066, T>C on the plus strand (A>G on the coding strand, the complement: NEB is on the minus strand). VCF-style: chr2-151561066-T-C. GRCh37 (hg19) VCF-style: chr2-152417580-T-C.
Other names: c.19144A>G, p.Thr6382Ala (NM_001164507.2, NM_001271208.2); c.14041A>G, p.Thr4681Ala (NM_004543.5); short protein forms T4681A, T6382A.
Identifiers: ClinVar variation 1979636 (VCV001979636.1), dbSNP rs888985103, ClinGen allele CA57653390.
Genomic context (GRCh38, chr2:151,561,066, plus strand): 5'-TGCTGTAAAGATTCTTCAGGTTTCTGGTTCTGTCATAATCCACTGTTTCTAGAACTGTTG[T>C]GTATTTGTCCTTAATCTGATGATAATTTTCTTTATATTTTACCTGTAGACAAGCAACAAT-3'
Protein context (NP_001157980.2, residues 6372-6392): ENYHQIKDKY[Thr6382Ala]TVLETVDYDR

ClinVar aggregate classification (germline): Uncertain significance (1 of 4 stars; one submission).

Conditions:
Nemaline myopathy 2 (NEM2). Also called: Nemaline myopathy 2, autosomal recessive. Identifiers: MedGen C1850569, MONDO:0009725, OMIM 256030.

Allele frequency attached by ClinVar (database versions not stated): gnomAD exomes below 0.00001.
gnomAD v4.1: 1 of 1,607,462 alleles (0.000062%); highest among the groups gnomAD compares: Non-Finnish European, 0.000085%; no homozygotes.

Submission:

Labcorp Genetics (formerly Invitae), Labcorp
Classification: Uncertain significance for Nemaline myopathy 2. Last evaluated: 2022-08-09. Review status: criteria provided, single submitter. Criteria: Invitae Variant Classification Sherloc (09022015). Collection method: clinical testing. Allele origin: germline.
Comment: This sequence change replaces threonine, which is neutral and polar, with alanine, which is neutral and non-polar, at codon 6382 of the NEB protein (p.Thr6382Ala). This variant is not present in population databases (gnomAD no frequency). This variant has not been reported in the literature in individuals affected with NEB-related conditions. Algorithms developed to predict the effect of missense changes on protein structure and function are either unavailable or do not agree on the potential impact of this missense change (SIFT: "Deleterious"; PolyPhen-2: "Not Available"; Align-GVGD: "Class C0"). In summary, the available evidence is currently insufficient to determine the role of this variant in disease. Therefore, it has been classified as a Variant of Uncertain Significance.